The following is an entry in ClinVar:

ClinVar aggregate classification (germline): Likely benign. Review status: criteria provided, multiple submitters, no conflicts (2 of 4 stars). 4 submissions from 4 submitters: Likely benign (4). Last evaluated 2025-11-05.

Allele frequency attached by ClinVar (database versions not stated): gnomAD 0.00013 and 0.00015; gnomAD exomes 0.00015 and 0.00023; TOPMed 0.00018; ExAC 0.00020; ESP Exome Variant Server 0.00023.
gnomAD v4.1: 234 of 1,610,958 alleles (0.015%); highest among the groups gnomAD compares: Admixed American, 0.035%; 2 homozygotes.

Submissions (4):

Labcorp Genetics (formerly Invitae), Labcorp
Classification: Likely benign. Last evaluated: 2025-11-05. Review status: criteria provided, single submitter. Criteria: Invitae Variant Classification Sherloc (09022015). Collection method: clinical testing. Allele origin: germline.

Blueprint Genetics
Classification: Likely benign. Last evaluated: 2024-10-25. Review status: criteria provided, single submitter. Criteria: ACMG Guidelines, 2015. Collection method: clinical testing. Allele origin: germline.

CeGaT Center for Human Genetics Tuebingen
Classification: Likely benign. Last evaluated: 2022-10-01. Review status: criteria provided, single submitter. Criteria: CeGaT Center For Human Genetics Tuebingen Variant Classification Criteria Version 2. Collection method: clinical testing. Allele origin: germline. Affected: yes. Observed: 1 variant allele.
Comment: KATNIP: BP4, BP7

Breakthrough Genomics
Classification: Likely benign. Review status: criteria provided, single submitter. Criteria: ACMG Guidelines, 2015. Collection method: not provided. Allele origin: germline. Inheritance: Autosomal recessive inheritance. Affected: yes.

NM_015202.5(KATNIP):c.4443G>A (p.Pro1481=)

Gene: KATNIP (katanin interacting protein; plus strand). Cytogenetic location: 16p12.1.
Variant type: single nucleotide variant.
Coding change: c.4443G>A on transcript NM_015202.5 (MANE Select); coding-DNA position 4443, G replaced by A.
Protein change: p.Pro1481=; no amino-acid change (proline 1481 retained).
Molecular consequence: synonymous variant.
Genome position (GRCh38, 1-based): chr16:27,775,078, G>A. VCF-style: chr16-27775078-G-A. GRCh37 (hg19) VCF-style: chr16-27786399-G-A.
Identifiers: ClinVar variation 740654 (VCV000740654.35), dbSNP rs146629703, ClinGen allele CA7978625.